The following is an entry in ClinVar:

NM_033305.3(VPS13A):c.8166_8168dup (p.Ala2722_Leu2723insPhe)

Gene: VPS13A (vacuolar protein sorting 13 homolog A; plus strand). Cytogenetic location: 9q21.2.
Variant type: Duplication.
Coding change: c.8166_8168dup on transcript NM_033305.3 (MANE Select); coding-DNA positions 8166 to 8168, 3 bases duplicated (TTT; older notation c.8166_8168dupTTT).
Protein change: p.Ala2722_Leu2723insPhe.
Genome position (GRCh38, 1-based): chr9:77,360,596-77,360,598, TTT duplicated. VCF-style (leftmost placement, unchanged base first): chr9-77360595-C-CTTT. GRCh37 (hg19) VCF-style: chr9-79975511-C-CTTT.
Other names: c.8049_8051dup, p.Ala2683_Leu2684insPhe (NM_001018037.2); c.8166_8168dup, p.Ala2722_Leu2723insPhe (NM_001018038.3, NM_015186.4).
Identifiers: ClinVar variation 3686426 (VCV003686426.2).

ClinVar aggregate classification (germline): Uncertain significance (1 of 4 stars; one submission).

Submission:

Labcorp Genetics (formerly Invitae), Labcorp
Classification: Uncertain significance. Last evaluated: 2024-07-08. Review status: criteria provided, single submitter. Criteria: Invitae Variant Classification Sherloc (09022015). Collection method: clinical testing. Allele origin: germline.
Comment: This variant, c.8166_8168dup, results in the insertion of 1 amino acid(s) of the VPS13A protein (p.Ala2722_Leu2723insPhe), but otherwise preserves the integrity of the reading frame. This variant is not present in population databases (gnomAD no frequency). This variant has not been reported in the literature in individuals affected with VPS13A-related conditions. In summary, the available evidence is currently insufficient to determine the role of this variant in disease. Therefore, it has been classified as a Variant of Uncertain Significance.